The following is an entry in ClinVar:

ClinVar aggregate classification (germline): Likely benign. Review status: criteria provided, multiple submitters, no conflicts (2 of 4 stars). 3 submissions from 3 submitters: Likely benign (3). Last evaluated 2025-09-07.

Conditions:
Cardiac arrhythmia. Also called: Cardiac rhythm disease; Arrhythmia. Identifiers: MedGen C0003811, MONDO:0007263, HP:0011675.
Long QT syndrome (LQTS). Identifiers: MedGen C0023976, MeSH D008133, MONDO:0002442. Disease mechanism: loss of function. Inheritance: Various modes of inheritance.

Allele frequency attached by ClinVar (database versions not stated): gnomAD exomes 0.00002 and 0.00001; ExAC 0.00002.
gnomAD v4.1: 10 of 1,612,626 alleles (0.00062%); highest among the groups gnomAD compares: Admixed American, 0.0033%; no homozygotes.

Submissions (3):

Labcorp Genetics (formerly Invitae), Labcorp
Classification: Likely benign for Long QT syndrome. Last evaluated: 2025-09-07. Review status: criteria provided, single submitter. Criteria: Invitae Variant Classification Sherloc (09022015). Collection method: clinical testing. Allele origin: germline.

All of Us Research Program, National Institutes of Health
Classification: Likely benign for Long QT syndrome. Last evaluated: 2023-04-27. Review status: criteria provided, single submitter. Criteria: ACMG Guidelines, 2015. Collection method: clinical testing. Allele origin: germline. Inheritance: Autosomal dominant inheritance. Observed: 1 variant allele, 1 heterozygote.
Comment: This study involves interpretation of variants in research participants for the purpose of population health screening. Participant phenotype was not available at the time of variant classification. Additional details can be found in publication PMID: 35346344, PMCID: PMC8962531

Color Diagnostics, LLC DBA Color Health
Classification: Likely benign for Arrhythmia. Last evaluated: 2019-03-08. Review status: criteria provided, single submitter. Criteria: ACMG Guidelines, 2015. Collection method: clinical testing. Allele origin: germline.

NM_000218.3(KCNQ1):c.525C>T (p.Leu175=)

Gene: KCNQ1 (potassium voltage-gated channel subfamily Q member 1; plus strand). Cytogenetic location: 11p15.5.
Variant type: single nucleotide variant.
Coding change: c.525C>T on transcript NM_000218.3 (MANE Select); coding-DNA position 525, C replaced by T.
Protein change: p.Leu175=; no amino-acid change (leucine 175 retained).
Molecular consequence: synonymous variant. On other transcripts: intron variant (1).
Genome position (GRCh38, 1-based): chr11:2,570,675, C>T. VCF-style: chr11-2570675-C-T. GRCh37 (hg19) VCF-style: chr11-2591905-C-T.
Other names: c.525C>T, p.Leu175= (NM_001406836.1); c.255C>T, p.Leu85= (NM_001406837.1); c.144C>T, p.Leu48= (NM_181798.2); c.478-12760C>T (NM_001406838.1).
Identifiers: ClinVar variation 527027 (VCV000527027.54), dbSNP rs751902200, ClinGen allele CA038218.